The following is an entry in ClinVar:

NM_000295.5(SERPINA1):c.-4G>A

Gene: SERPINA1 (serpin family A member 1; minus strand). Cytogenetic location: 14q32.13.
Variant type: single nucleotide variant.
Coding change: c.-4G>A on transcript NM_000295.5 (MANE Select); 4 bases upstream of the start codon, G replaced by A.
Molecular consequence: 5 prime UTR variant.
Genome position (GRCh38, 1-based): chr14:94,383,241, C>T on the plus strand (G>A on the coding strand, the complement: SERPINA1 is on the minus strand). VCF-style: chr14-94383241-C-T. GRCh37 (hg19) VCF-style: chr14-94849578-C-T.
Other names: c.-4G>A (NM_000295.4, NM_001002235.3, NM_001002236.3 and 8 more transcripts).
Identifiers: ClinVar variation 498437 (VCV000498437.7), dbSNP rs374417614, ClinGen allele CA7327577.

ClinVar aggregate classification (germline): Uncertain significance. Review status: criteria provided, single submitter (1 of 4 stars). 2 submissions from 2 submitters: Uncertain significance (1). 1 of the submissions does not count toward it. Last evaluated 2016-11-07.

Conditions:
SERPINA1-related disorder. Also called: SerpinA1-related disorders; SERPINA1-related condition.

Allele frequency attached by ClinVar (database versions not stated): gnomAD exomes 0.00002; ExAC 0.00004; ESP Exome Variant Server 0.00015; gnomAD 0.00019 and 0.00022; TOPMed 0.00019.
gnomAD v4.1: 41 of 1,609,834 alleles (0.0025%); highest among the groups gnomAD compares: African/African-American, 0.051%; no homozygotes.

Submissions (2):

Eurofins Ntd Llc (ga)
Classification: Uncertain significance. Last evaluated: 2016-11-07. Review status: criteria provided, single submitter. Criteria: EGL Classification Definitions 2015. Collection method: clinical testing. Allele origin: germline. Observed: 1 variant allele, 1 heterozygote.

PreventionGenetics, part of Exact Sciences
Classification: Likely benign for SERPINA1-related condition. Last evaluated: 2021-12-30. Review status: no assertion criteria provided. Collection method: clinical testing. Allele origin: germline. Not counted in ClinVar's aggregate classification.
Comment: This variant is classified as likely benign based on ACMG/AMP sequence variant interpretation guidelines (Richards et al. 2015 PMID: 25741868, with internal and published modifications).